The following is an entry in ClinVar:

NM_001292063.2(OTOG):c.6542T>A (p.Leu2181Ter)

Gene: OTOG (otogelin; plus strand). Cytogenetic location: 11p15.1.
Variant type: single nucleotide variant.
Coding change: c.6542T>A on transcript NM_001292063.2 (MANE Select); coding-DNA position 6542, T replaced by A.
Protein change: p.Leu2181Ter; replaces leucine 2181 with a stop codon.
Molecular consequence: nonsense.
Genome position (GRCh38, 1-based): chr11:17,629,146, T>A. VCF-style: chr11-17629146-T-A. GRCh37 (hg19) VCF-style: chr11-17650693-T-A.
Other names: c.6578T>A, p.Leu2193Ter (NM_001277269.2); short protein forms L2181*, L2193*.
Identifiers: ClinVar variation 3029255 (VCV003029255.2), dbSNP rs1854053830, ClinGen allele CA379807657.

ClinVar aggregate classification (germline): Likely pathogenic (0 of 4 stars; one submission).

Conditions:
OTOG-related disorder. Also called: OTOG-related condition.

Allele frequency attached by ClinVar (database versions not stated): TOPMed below 0.00001.
gnomAD v4.1: 1 of 1,550,266 alleles (0.000065%); no homozygotes.

Submission:

PreventionGenetics, part of Exact Sciences
Classification: Likely pathogenic for OTOG-related condition. Last evaluated: 2023-12-04. Review status: no assertion criteria provided. Collection method: clinical testing. Allele origin: germline.
Comment: The OTOG c.6578T>A variant is predicted to result in premature protein termination (p.Leu2193*). To our knowledge, this variant has not been reported in the literature or in a large population database, indicating this variant is rare. Nonsense variants in OTOG are expected to be pathogenic. This variant is interpreted as likely pathogenic.